The following is an entry in ClinVar:

ClinVar aggregate classification (germline): Uncertain significance (1 of 4 stars; one submission).

Allele frequency attached by ClinVar (database versions not stated): gnomAD exomes below 0.00001 and 0.00002; ExAC 0.00002.
gnomAD v4.1: 2 of 1,613,048 alleles (0.00012%); highest among the groups gnomAD compares: Admixed American, 0.0033%; no homozygotes.

Submission:

Labcorp Genetics (formerly Invitae), Labcorp
Classification: Uncertain significance. Last evaluated: 2022-09-01. Review status: criteria provided, single submitter. Criteria: Invitae Variant Classification Sherloc (09022015). Collection method: clinical testing. Allele origin: germline.
Comment: This sequence change replaces lysine, which is basic and polar, with threonine, which is neutral and polar, at codon 248 of the EDNRB protein (p.Lys248Thr). This variant is present in population databases (rs777697952, gnomAD 0.009%). This variant has not been reported in the literature in individuals affected with EDNRB-related conditions. ClinVar contains an entry for this variant (Variation ID: 1354991). Algorithms developed to predict the effect of missense changes on protein structure and function are either unavailable or do not agree on the potential impact of this missense change (SIFT: "Deleterious"; PolyPhen-2: "Benign"; Align-GVGD: "Class C0"). In summary, the available evidence is currently insufficient to determine the role of this variant in disease. Therefore, it has been classified as a Variant of Uncertain Significance.

NM_001122659.3(EDNRB):c.743A>C (p.Lys248Thr)

Genes: EDNRB (endothelin receptor type B; minus strand), EDNRB-AS1 (EDNRB antisense RNA 1; plus strand). Cytogenetic location: 13q22.3.
Variant type: single nucleotide variant.
Coding change: c.743A>C on transcript NM_001122659.3 (MANE Select); coding-DNA position 743, A replaced by C.
Protein change: p.Lys248Thr; replaces lysine 248 with threonine.
Molecular consequence: missense variant.
Genome position (GRCh38, 1-based): chr13:77,903,214, T>G on the plus strand (A>C on the coding strand, the complement: EDNRB is on the minus strand). VCF-style: chr13-77903214-T-G. GRCh37 (hg19) VCF-style: chr13-78477349-T-G.
Other names: c.743A>C, p.Lys248Thr (NM_000115.5, NM_003991.4); c.1013A>C, p.Lys338Thr (NM_001201397.2); short protein forms K248T, K338T.
Identifiers: ClinVar variation 1354991 (VCV001354991.8), dbSNP rs777697952, ClinGen allele CA7012275.